The following is an entry in ClinVar:

ClinVar aggregate classification (germline): Uncertain significance. Review status: criteria provided, multiple submitters, no conflicts (2 of 4 stars). 2 submissions from 2 submitters: Uncertain significance (2). Last evaluated 2026-07-22.

Conditions:
Retinoblastoma (RB1). Also called: RETINOBLASTOMA, SOMATIC. Identifiers: Orphanet 790, MedGen C0035335, MeSH D012175, MONDO:0008380, OMIM 180200, HP:0009919. Disease mechanism: loss of function. Inheritance: Both sporadic and heritable forms are tested..
Hereditary cancer-predisposing syndrome. Also called: Hereditary Cancer Syndrome; Hereditary neoplastic syndrome; Neoplastic Syndromes, Hereditary; Tumor predisposition. Identifiers: Orphanet 140162, MedGen C0027672, MeSH D009386, MONDO:0015356.

Allele frequency attached by ClinVar (database versions not stated): TOPMed below 0.00001.

Submissions (2):

Ambry Genetics
Classification: Uncertain significance for Hereditary cancer-predisposing syndrome. Last evaluated: 2026-07-22. Review status: criteria provided, single submitter. Criteria: Ambry Variant Classification Scheme 2023. Collection method: clinical testing. Allele origin: germline.
Comment: The p.P28S variant (also known as c.82C>T), located in coding exon 1 of the RB1 gene, results from a C to T substitution at nucleotide position 82. The proline at codon 28 is replaced by serine, an amino acid with similar properties. This amino acid position is highly conserved in available vertebrate species. In addition, the in silico prediction for this alteration is inconclusive. Based on the available evidence, the clinical significance of this variant remains unclear.

Labcorp Genetics (formerly Invitae), Labcorp
Classification: Uncertain significance for Retinoblastoma. Last evaluated: 2023-06-05. Review status: criteria provided, single submitter. Criteria: Invitae Variant Classification Sherloc (09022015). Collection method: clinical testing. Allele origin: germline.
Comment: This sequence change replaces proline, which is neutral and non-polar, with serine, which is neutral and polar, at codon 28 of the RB1 protein (p.Pro28Ser). In summary, the available evidence is currently insufficient to determine the role of this variant in disease. Therefore, it has been classified as a Variant of Uncertain Significance. Algorithms developed to predict the effect of missense changes on protein structure and function output the following: SIFT: "Not Available"; PolyPhen-2: "Not Available"; Align-GVGD: "Not Available". The serine amino acid residue is found in multiple mammalian species, which suggests that this missense change does not adversely affect protein function. This variant has not been reported in the literature in individuals affected with RB1-related conditions. This variant is not present in population databases (gnomAD no frequency).

NM_000321.3(RB1):c.82C>T (p.Pro28Ser)

Gene: RB1 (RB transcriptional corepressor 1; plus strand). Cytogenetic location: 13q14.2.
Variant type: single nucleotide variant.
Coding change: c.82C>T on transcript NM_000321.3 (MANE Select); coding-DNA position 82, C replaced by T.
Protein change: p.Pro28Ser; replaces proline 28 with serine.
Molecular consequence: missense variant.
Genome position (GRCh38, 1-based): chr13:48,303,994, C>T. VCF-style: chr13-48303994-C-T. GRCh37 (hg19) VCF-style: chr13-48878130-C-T.
Other names: c.82C>T, p.Pro28Ser (NM_001407165.1, NM_001407166.1, NM_001407167.1); short protein forms P28S.
Identifiers: ClinVar variation 2990152 (VCV002990152.4), dbSNP rs1020342293, ClinGen allele CA249842030.